The following is an entry in ClinVar:

NM_001261.4(CDK9):c.433-6C>T

Gene: CDK9 (cyclin dependent kinase 9; plus strand). Cytogenetic location: 9q34.11.
Variant type: single nucleotide variant.
Coding change: c.433-6C>T on transcript NM_001261.4 (MANE Select); 6 bases into the intron before coding-DNA position 433, C replaced by T.
Molecular consequence: intron variant.
Genome position (GRCh38, 1-based): chr9:127,788,208, C>T. VCF-style: chr9-127788208-C-T. GRCh37 (hg19) VCF-style: chr9-130550487-C-T.
Identifiers: ClinVar variation 3055715 (VCV003055715.2), dbSNP rs3217744, ClinGen allele CA5251746.

ClinVar aggregate classification (germline): Benign (0 of 4 stars; one submission).

Conditions:
CDK9-related disorder. Also called: CDK9-related condition.

Allele frequency attached by ClinVar (database versions not stated): ExAC 0.01539; gnomAD 0.04704; 1000 Genomes Project 0.04872; 1000 Genomes Project 30x 0.04903; TOPMed 0.05400; ESP Exome Variant Server 0.05628.

Submission:

PreventionGenetics, part of Exact Sciences
Classification: Benign for CDK9-related condition. Last evaluated: 2019-09-11. Review status: no assertion criteria provided. Collection method: clinical testing. Allele origin: germline.
Comment: This variant is classified as benign based on ACMG/AMP sequence variant interpretation guidelines (Richards et al. 2015 PMID: 25741868, with internal and published modifications).